The following is an entry in ClinVar:

NM_000129.4(F13A1):c.1761G>A (p.Ala587=)

Gene: F13A1 (coagulation factor XIII A chain; minus strand). Cytogenetic location: 6p25.1.
Variant type: single nucleotide variant.
Coding change: c.1761G>A on transcript NM_000129.4 (MANE Select); coding-DNA position 1761, G replaced by A.
Protein change: p.Ala587=; no amino-acid change (alanine 587 retained).
Molecular consequence: synonymous variant.
Genome position (GRCh38, 1-based): chr6:6,167,605, C>T on the plus strand (G>A on the coding strand, the complement: F13A1 is on the minus strand). VCF-style: chr6-6167605-C-T. GRCh37 (hg19) VCF-style: chr6-6167838-C-T.
Identifiers: ClinVar variation 910505 (VCV000910505.7), dbSNP rs377479323, ClinGen allele CA3624244.

ClinVar aggregate classification (germline): Conflicting classifications of pathogenicity. Review status: criteria provided, conflicting classifications (1 of 4 stars). 4 submissions from 4 submitters: Uncertain significance (1); Likely benign (3). Last evaluated 2026-02-23.

Conditions:
F13A1-related disorder. Also called: F13A1-related condition.
Factor XIII, A subunit, deficiency of. Also called: Factor XIII subunit A deficiency. Identifiers: Orphanet 331, MedGen C2750514, MONDO:0013187, OMIM 613225, HP:0040233.

Allele frequency attached by ClinVar (database versions not stated): gnomAD exomes 0.00011 and 0.00013; ExAC 0.00015; TOPMed 0.00016; gnomAD 0.00017; ESP Exome Variant Server 0.00031.
gnomAD v4.1: 185 of 1,613,494 alleles (0.011%); highest among the groups gnomAD compares: Middle Eastern, 0.018%; no homozygotes.

Submissions (4):

Women's Health and Genetics/Laboratory Corporation of America, LabCorp
Classification: Likely benign. Last evaluated: 2026-02-23. Review status: criteria provided, single submitter. Criteria: LabCorp Variant Classification Summary - May 2015. Collection method: clinical testing. Allele origin: germline.

PreventionGenetics, part of Exact Sciences
Classification: Likely benign for F13A1-related condition. Last evaluated: 2025-03-11. Review status: criteria provided, single submitter. Criteria: ACMG Guidelines, 2015. Collection method: clinical testing. Allele origin: germline.
Comment: This variant is classified as likely benign based on ACMG/AMP sequence variant interpretation guidelines (Richards et al. 2015 PMID: 25741868, with internal and published modifications).

Blueprint Genetics
Classification: Likely benign. Last evaluated: 2024-01-08. Review status: criteria provided, single submitter. Criteria: ACMG Guidelines, 2015. Collection method: clinical testing. Allele origin: germline.

Illumina Laboratory Services, Illumina
Classification: Uncertain significance for Factor XIII, A subunit, deficiency of. Last evaluated: 2018-01-12. Review status: criteria provided, single submitter. Criteria: ICSL Variant Classification Criteria 13 December 2019. Collection method: clinical testing. Allele origin: germline.